The following is an entry in ClinVar:

NM_145728.3(SYNM):c.2882C>T (p.Pro961Leu)

Gene: SYNM (synemin; plus strand). Cytogenetic location: 15q26.3.
Variant type: single nucleotide variant.
Coding change: c.2882C>T on transcript NM_145728.3 (MANE Select); coding-DNA position 2882, C replaced by T.
Protein change: p.Pro961Leu; replaces proline 961 with leucine.
Molecular consequence: missense variant.
Genome position (GRCh38, 1-based): chr15:99,131,242, C>T. VCF-style: chr15-99131242-C-T. GRCh37 (hg19) VCF-style: chr15-99671447-C-T.
Other names: c.2882C>T, p.Pro961Leu (NM_015286.6); short protein forms P961L.
Identifiers: ClinVar variation 3047498 (VCV003047498.1), dbSNP rs2543117189, ClinGen allele CA393664924.

ClinVar aggregate classification (germline): Likely benign (1 of 4 stars; one submission).

Conditions:
SYNM-related disorder. Also called: SYNM-related condition.

Submission:

PreventionGenetics, part of Exact Sciences
Classification: Likely benign for SYNM-related condition. Last evaluated: 2019-06-26. Review status: criteria provided, single submitter. Criteria: ACMG Guidelines, 2015. Collection method: clinical testing. Allele origin: germline.
Comment: This variant is classified as likely benign based on ACMG/AMP sequence variant interpretation guidelines (Richards et al. 2015 PMID: 25741868, with internal and published modifications).